The following is an entry in ClinVar:

NM_001367624.2(ZNF469):c.5701C>A (p.Pro1901Thr)

Gene: ZNF469 (zinc finger protein 469; plus strand). Cytogenetic location: 16q24.2.
Variant type: single nucleotide variant.
Coding change: c.5701C>A on transcript NM_001367624.2 (MANE Select); coding-DNA position 5701, C replaced by A.
Protein change: p.Pro1901Thr; replaces proline 1901 with threonine.
Molecular consequence: missense variant.
Genome position (GRCh38, 1-based): chr16:88,433,171, C>A. VCF-style: chr16-88433171-C-A. GRCh37 (hg19) VCF-style: chr16-88499579-C-A.
Other names: short protein forms P1901T.
Identifiers: ClinVar variation 1983850 (VCV001983850.2), dbSNP rs1208889208, ClinGen allele CA397101861.

ClinVar aggregate classification (germline): Uncertain significance (1 of 4 stars; one submission).

Allele frequency attached by ClinVar (database versions not stated): gnomAD 0.00001.
gnomAD v4.1: 3 of 1,550,206 alleles (0.00019%); highest among the groups gnomAD compares: Admixed American, 0.0039%; no homozygotes.

Submission:

Labcorp Genetics (formerly Invitae), Labcorp
Classification: Uncertain significance. Last evaluated: 2022-01-26. Review status: criteria provided, single submitter. Criteria: Invitae Variant Classification Sherloc (09022015). Collection method: clinical testing. Allele origin: germline.
Comment: This variant is present in population databases (no rsID available, gnomAD 0.004%). This sequence change replaces proline, which is neutral and non-polar, with threonine, which is neutral and polar, at codon 1873 of the ZNF469 protein (p.Pro1873Thr). This variant has not been reported in the literature in individuals affected with ZNF469-related conditions. In summary, the available evidence is currently insufficient to determine the role of this variant in disease. Therefore, it has been classified as a Variant of Uncertain Significance. Algorithms developed to predict the effect of missense changes on protein structure and function are either unavailable or do not agree on the potential impact of this missense change (SIFT: "Deleterious"; PolyPhen-2: "Benign"; Align-GVGD: "Class C0").